The following is an entry in ClinVar:

NM_001130438.3(SPTAN1):c.835G>A (p.Ala279Thr)

Gene: SPTAN1 (spectrin alpha, non-erythrocytic 1; plus strand). Cytogenetic location: 9q34.11.
Variant type: single nucleotide variant.
Coding change: c.835G>A on transcript NM_001130438.3 (MANE Select); coding-DNA position 835, G replaced by A.
Protein change: p.Ala279Thr; replaces alanine 279 with threonine.
Molecular consequence: missense variant.
Genome position (GRCh38, 1-based): chr9:128,577,178, G>A. VCF-style: chr9-128577178-G-A. GRCh37 (hg19) VCF-style: chr9-131339457-G-A.
Other names: c.835G>A, p.Ala279Thr (NM_001195532.2, NM_001363759.2, NM_001363765.2 and 1 more transcripts); short protein forms A279T.
Identifiers: ClinVar variation 657335 (VCV000657335.9), dbSNP rs1300670035, ClinGen allele CA375048459.

ClinVar aggregate classification (germline): Uncertain significance (1 of 4 stars; one submission).

Conditions:
Early-infantile DEE. Also called: Early infantile epileptic encephalopathy; Ohtahara syndrome; Early infantile epileptic encephalopathy with suppression bursts. Identifiers: Orphanet 1934, MedGen C0393706, MONDO:0800491.

Allele frequency attached by ClinVar (database versions not stated): gnomAD exomes below 0.00001.
gnomAD v4.1: 1 of 1,614,210 alleles (0.000062%); highest among the groups gnomAD compares: Non-Finnish European, 0.000085%; no homozygotes.

Submission:

Labcorp Genetics (formerly Invitae), Labcorp
Classification: Uncertain significance for Early-infantile DEE. Last evaluated: 2020-03-07. Review status: criteria provided, single submitter. Criteria: Invitae Variant Classification Sherloc (09022015). Collection method: clinical testing. Allele origin: germline.
Comment: This sequence change replaces alanine with threonine at codon 279 of the SPTAN1 protein (p.Ala279Thr). The alanine residue is highly conserved and there is a small physicochemical difference between alanine and threonine. This variant is not present in population databases (ExAC no frequency). This variant has not been reported in the literature in individuals with SPTAN1-related disease. Algorithms developed to predict the effect of missense changes on protein structure and function are either unavailable or do not agree on the potential impact of this missense change (SIFT: "Deleterious"; PolyPhen-2: "Benign"; Align-GVGD: "Class C0"). In summary, the available evidence is currently insufficient to determine the role of this variant in disease. Therefore, it has been classified as a Variant of Uncertain Significance.